The following is an entry in ClinVar:

ClinVar aggregate classification (germline): Uncertain significance. Review status: criteria provided, multiple submitters, no conflicts (2 of 4 stars). 2 submissions from 2 submitters: Uncertain significance (2). Last evaluated 2026-05-13.

Conditions:
TTN-related disorder. Also called: TTN-related condition; TTN-related disease; TTN-related disorders.

Allele frequency attached by ClinVar (database versions not stated): gnomAD exomes below 0.00001; ExAC 0.00001; gnomAD 0.00001; TOPMed 0.00001.
gnomAD v4.1: 3 of 1,613,846 alleles (0.00019%); highest among the groups gnomAD compares: Non-Finnish European, 0.00025%; no homozygotes.

Submissions (2):

PreventionGenetics, part of Exact Sciences
Classification: Uncertain significance for TTN-related condition. Last evaluated: 2026-05-13. Review status: criteria provided, single submitter. Criteria: ACMG Guidelines, 2015. Collection method: clinical testing. Allele origin: germline.
Comment: The TTN c.30380A>T variant is predicted to result in the amino acid substitution p.Asn10127Ile. To our knowledge, this variant has not been reported in the literature. This variant is reported in 0.00088% of alleles in individuals of European (Non-Finnish) descent in gnomAD. At this time, the clinical significance of this variant is uncertain due to the absence of conclusive functional and genetic evidence.

Eurofins Ntd Llc (ga)
Classification: Uncertain significance. Last evaluated: 2017-06-15. Review status: criteria provided, single submitter. Criteria: EGL Classification Definitions 2015. Collection method: clinical testing. Allele origin: germline. Observed: 1 variant allele, 1 heterozygote.

NM_001267550.2(TTN):c.30380A>T (p.Asn10127Ile)

Gene: TTN (titin; minus strand). Cytogenetic location: 2q31.2.
Variant type: single nucleotide variant.
Coding change: c.30380A>T on transcript NM_001267550.2 (MANE Select); coding-DNA position 30380, A replaced by T.
Protein change: p.Asn10127Ile; replaces asparagine 10127 with isoleucine.
Molecular consequence: missense variant. On other transcripts: intron variant (3).
Genome position (GRCh38, 1-based): chr2:178,702,507, T>A on the plus strand (A>T on the coding strand, the complement: TTN is on the minus strand). VCF-style: chr2-178702507-T-A. GRCh37 (hg19) VCF-style: chr2-179567234-T-A.
Other names: c.29429A>T, p.Asn9810Ile (NM_001256850.1); c.26648A>T, p.Asn8883Ile (NM_133378.4); c.13282+35575A>T (NM_003319.4); c.13858+35575A>T (NM_133437.4); c.13657+35575A>T (NM_133432.3); short protein forms N10127I, N8883I, N9810I.
Identifiers: ClinVar variation 502593 (VCV000502593.6), dbSNP rs756843499, ClinGen allele CA1999189.